The following is an entry in ClinVar:

NM_004260.4(RECQL4):c.3350G>C (p.Gly1117Ala)

Gene: RECQL4 (RecQ like helicase 4; minus strand). Cytogenetic location: 8q24.3.
Variant type: single nucleotide variant.
Coding change: c.3350G>C on transcript NM_004260.4 (MANE Select); coding-DNA position 3350, G replaced by C.
Protein change: p.Gly1117Ala; replaces glycine 1117 with alanine.
Molecular consequence: missense variant.
Genome position (GRCh38, 1-based): chr8:144,511,954, C>G on the plus strand (G>C on the coding strand, the complement: RECQL4 is on the minus strand). VCF-style: chr8-144511954-C-G. GRCh37 (hg19) VCF-style: chr8-145737337-C-G.
Other names: c.3350G>C (NM_004260.3); short protein forms G1117A.
Identifiers: ClinVar variation 1062521 (VCV001062521.6), dbSNP rs1199300079, ClinGen allele CA372668381.

ClinVar aggregate classification (germline): Uncertain significance. Review status: criteria provided, multiple submitters, no conflicts (2 of 4 stars). 2 submissions from 2 submitters: Uncertain significance (2). Last evaluated 2025-03-13.

Conditions:
Baller-Gerold syndrome (BGS). Also called: CRANIOSYNOSTOSIS WITH RADIAL DEFECTS. Identifiers: Orphanet 1225, MedGen C0265308, MONDO:0009039, OMIM 218600.

Allele frequency attached by ClinVar (database versions not stated): gnomAD exomes below 0.00001.
gnomAD v4.1: 1 of 1,611,598 alleles (0.000062%); highest among the groups gnomAD compares: Admixed American, 0.0017%; no homozygotes.

Submissions (2):

GeneDx
Classification: Uncertain significance. Last evaluated: 2025-03-13. Review status: criteria provided, single submitter. Criteria: GeneDx Variant Classification Process June 2021. Collection method: clinical testing. Allele origin: germline. Affected: yes.
Comment: Not observed at significant frequency in large population cohorts (gnomAD); In silico analysis indicates that this missense variant does not alter protein structure/function; Has not been previously published as pathogenic or benign to our knowledge

Labcorp Genetics (formerly Invitae), Labcorp
Classification: Uncertain significance for Baller-Gerold syndrome. Last evaluated: 2023-03-07. Review status: criteria provided, single submitter. Criteria: Invitae Variant Classification Sherloc (09022015). Collection method: clinical testing. Allele origin: germline.
Comment: In summary, the available evidence is currently insufficient to determine the role of this variant in disease. Therefore, it has been classified as a Variant of Uncertain Significance. Experimental studies and prediction algorithms are not available or were not evaluated, and the functional significance of this variant is currently unknown. ClinVar contains an entry for this variant (Variation ID: 1062521). This variant has not been reported in the literature in individuals affected with RECQL4-related conditions. This variant is present in population databases (no rsID available, gnomAD 0.003%). This sequence change replaces glycine, which is neutral and non-polar, with alanine, which is neutral and non-polar, at codon 1117 of the RECQL4 protein (p.Gly1117Ala).